The following is an entry in ClinVar:

ClinVar aggregate classification (germline): Pathogenic (1 of 4 stars; one submission).

Submission:

Athena Diagnostics
Classification: Pathogenic. Last evaluated: 2023-07-13. Review status: criteria provided, single submitter. Criteria: Athena Diagnostics Criteria. Collection method: clinical testing. Allele origin: unknown.
Comment: This variant is expected to result in the loss of a functional protein. A similar variant has been identified in at least one individual with clinical features associated with this gene. Similar variants have not been reported in large, multi-ethnic general populations (Genome Aggregation Database (gnomAD), Cambridge, MA (URL)).

Single allele

Gene: TSC1 (TSC complex subunit 1; minus strand). Cytogenetic location: 9q34.13.
Variant type: Deletion.
Identifiers: ClinVar variation 2684163 (VCV002684163.1).